The following is an entry in ClinVar:

ClinVar aggregate classification (germline): Uncertain significance. Review status: criteria provided, multiple submitters, no conflicts (2 of 4 stars). 2 submissions from 2 submitters: Uncertain significance (2). Last evaluated 2025-04-07.

Conditions:
Inborn genetic diseases. Identifiers: MedGen C0950123, MeSH D030342.

Allele frequency attached by ClinVar (database versions not stated): gnomAD 0.00002 and 0.00003; gnomAD exomes 0.00004; ExAC 0.00005; TOPMed 0.00010.
gnomAD v4.1: 24 of 1,602,168 alleles (0.0015%); highest among the groups gnomAD compares: Middle Eastern, 0.017%; no homozygotes.

Submissions (2):

Labcorp Genetics (formerly Invitae), Labcorp
Classification: Uncertain significance. Last evaluated: 2025-04-07. Review status: criteria provided, single submitter. Criteria: Invitae Variant Classification Sherloc (09022015). Collection method: clinical testing. Allele origin: germline.
Comment: This sequence change replaces arginine, which is basic and polar, with histidine, which is basic and polar, at codon 128 of the TNFRSF11A protein (p.Arg128His). This variant is present in population databases (rs201358688, gnomAD 0.008%). This variant has not been reported in the literature in individuals affected with TNFRSF11A-related conditions. ClinVar contains an entry for this variant (Variation ID: 1381429). Invitae Evidence Modeling of protein sequence and biophysical properties (such as structural, functional, and spatial information, amino acid conservation, physicochemical variation, residue mobility, and thermodynamic stability) indicates that this missense variant is expected to disrupt TNFRSF11A protein function with a positive predictive value of 80%. In summary, the available evidence is currently insufficient to determine the role of this variant in disease. Therefore, it has been classified as a Variant of Uncertain Significance.

Ambry Genetics
Classification: Uncertain significance for Inborn genetic diseases. Last evaluated: 2024-06-13. Review status: criteria provided, single submitter. Criteria: Ambry Variant Classification Scheme 2023. Collection method: clinical testing. Allele origin: germline.

NM_003839.4(TNFRSF11A):c.383G>A (p.Arg128His)

Gene: TNFRSF11A (TNF receptor superfamily member 11a; plus strand). Cytogenetic location: 18q21.33.
Variant type: single nucleotide variant.
Coding change: c.383G>A on transcript NM_003839.4 (MANE Select); coding-DNA position 383, G replaced by A.
Protein change: p.Arg128His; replaces arginine 128 with histidine.
Molecular consequence: missense variant.
Genome position (GRCh38, 1-based): chr18:62,354,490, G>A. VCF-style: chr18-62354490-G-A. GRCh37 (hg19) VCF-style: chr18-60021723-G-A.
Other names: c.383G>A, p.Arg128His (NM_001270949.2, NM_001270950.2, NM_001270951.2 and 1 more transcripts); c.383G>A (NM_003839.2); short protein forms R128H.
Identifiers: ClinVar variation 1381429 (VCV001381429.10), dbSNP rs201358688, ClinGen allele CA8983713.